The following is an entry in ClinVar:

NM_001371986.1(UNC80):c.8772+1G>T

Gene: UNC80 (unc-80 subunit of NALCN channel complex; plus strand). Cytogenetic location: 2q34.
Variant type: single nucleotide variant.
Coding change: c.8772+1G>T on transcript NM_001371986.1 (MANE Select); the canonical splice donor site of the intron after coding-DNA position 8772, G replaced by T.
Molecular consequence: splice donor variant.
Genome position (GRCh38, 1-based): chr2:209,976,304, G>T. VCF-style: chr2-209976304-G-T. GRCh37 (hg19) VCF-style: chr2-210841028-G-T.
Other names: c.8574+1G>T (NM_032504.2); c.8559+1G>T (NM_182587.4).
Identifiers: ClinVar variation 3647969 (VCV003647969.2).

ClinVar aggregate classification (germline): Likely pathogenic (1 of 4 stars; one submission).

gnomAD v4.1: 2 of 1,551,782 alleles (0.00013%); highest among the groups gnomAD compares: Non-Finnish European, 0.000087%; no homozygotes.

Submission:

Labcorp Genetics (formerly Invitae), Labcorp
Classification: Likely pathogenic. Last evaluated: 2024-03-28. Review status: criteria provided, single submitter. Criteria: Invitae Variant Classification Sherloc (09022015). Collection method: clinical testing. Allele origin: germline.
Comment: This sequence change affects a donor splice site in intron 56 of the UNC80 gene. It is expected to disrupt RNA splicing. Variants that disrupt the donor or acceptor splice site typically lead to a loss of protein function (PMID: 16199547), and loss-of-function variants in UNC80 are known to be pathogenic (PMID: 26545877, 26708751, 26708753). This variant is not present in population databases (gnomAD no frequency). This variant has not been reported in the literature in individuals affected with UNC80-related conditions. Algorithms developed to predict the effect of sequence changes on RNA splicing suggest that this variant may disrupt the consensus splice site. In summary, the currently available evidence indicates that the variant is pathogenic, but additional data are needed to prove that conclusively. Therefore, this variant has been classified as Likely Pathogenic.

Literature cited by the submitters: PubMed 16199547; PubMed 26545877; PubMed 26708751; PubMed 26708753.